The following is an entry in ClinVar:

ClinVar aggregate classification (germline): Uncertain significance (1 of 4 stars; one submission).

Conditions:
Joubert syndrome. Also called: CEREBELLOPARENCHYMAL DISORDER IV; JOUBERT-BOLTSHAUSER SYNDROME; Familial aplasia of the vermis. Identifiers: Orphanet 475, MedGen C5979921, MONDO:0018772.
Meckel-Gruber syndrome. Also called: DYSENCEPHALIA SPLANCHNOCYSTICA; GRUBER SYNDROME; Dysencephalia splachnocystica. Identifiers: Orphanet 564, MedGen C0265215, MONDO:0018921.
Nephronophthisis. Also called: Juvenile Nephronophthisis. Identifiers: Orphanet 655, MedGen C0687120, MONDO:0019005, HP:0000090.

Submission:

Labcorp Genetics (formerly Invitae), Labcorp
Classification: Uncertain significance for Joubert syndrome; Meckel-Gruber syndrome; Nephronophthisis. Last evaluated: 2022-06-29. Review status: criteria provided, single submitter. Criteria: Invitae Variant Classification Sherloc (09022015). Collection method: clinical testing. Allele origin: germline.
Comment: In summary, the available evidence is currently insufficient to determine the role of this variant in disease. Therefore, it has been classified as a Variant of Uncertain Significance. Algorithms developed to predict the effect of missense changes on protein structure and function output the following: SIFT: "Tolerated"; PolyPhen-2: "Benign"; Align-GVGD: "Class C0". The valine amino acid residue is found in multiple mammalian species, which suggests that this missense change does not adversely affect protein function. This variant has not been reported in the literature in individuals affected with CEP290-related conditions. This variant is not present in population databases (gnomAD no frequency). This sequence change replaces methionine, which is neutral and non-polar, with valine, which is neutral and non-polar, at codon 870 of the CEP290 protein (p.Met870Val).

NM_025114.4(CEP290):c.2608A>G (p.Met870Val)

Gene: CEP290 (centrosomal protein 290; minus strand). Cytogenetic location: 12q21.32.
Variant type: single nucleotide variant.
Coding change: c.2608A>G on transcript NM_025114.4 (MANE Select); coding-DNA position 2608, A replaced by G.
Protein change: p.Met870Val; replaces methionine 870 with valine.
Molecular consequence: missense variant.
Genome position (GRCh38, 1-based): chr12:88,106,884, T>C on the plus strand (A>G on the coding strand, the complement: CEP290 is on the minus strand). VCF-style: chr12-88106884-T-C. GRCh37 (hg19) VCF-style: chr12-88500661-T-C.
Other names: short protein forms M870V.
Identifiers: ClinVar variation 2011005 (VCV002011005.4), dbSNP rs2038321332, ClinGen allele CA385971566.